The following is an entry in ClinVar:

NM_001035.3(RYR2):c.9389G>A (p.Cys3130Tyr)

Gene: RYR2 (ryanodine receptor 2; plus strand). Cytogenetic location: 1q43.
Variant type: single nucleotide variant.
Coding change: c.9389G>A on transcript NM_001035.3 (MANE Select); coding-DNA position 9389, G replaced by A.
Protein change: p.Cys3130Tyr; replaces cysteine 3130 with tyrosine.
Molecular consequence: missense variant.
Genome position (GRCh38, 1-based): chr1:237,701,999, G>A. VCF-style: chr1-237701999-G-A. GRCh37 (hg19) VCF-style: chr1-237865299-G-A.
Other names: short protein forms C3130Y.
Identifiers: ClinVar variation 2774361 (VCV002774361.2), dbSNP rs2547374521, ClinGen allele CA345406330.
Genomic context (GRCh38, chr1:237,701,999, plus strand): 5'-GTGGGTTTTTCTTTCAAGTGAGATTCTCTTTTTCCTTAGTGGAAGATGTCCAGGTGTCTT[G>A]TTATAGAATTCTGACTAGCTTATATGCTTTGGGAACCAGCAAGAGTATTTACGTGGAGAG-3'
Protein context (NP_001026.2, residues 3120-3140): DLILEDVQVS[Cys3130Tyr]YRILTSLYAL

ClinVar aggregate classification (germline): Uncertain significance (1 of 4 stars; one submission).

Conditions:
Cardiomyopathy (CMYO). Also called: Cardiomyopathies. Identifiers: Orphanet 167848, MedGen C0878544, MONDO:0004994, HP:0001638. Inheritance: Various modes of inheritance.

Submission:

Color Diagnostics, LLC DBA Color Health
Classification: Uncertain significance for Cardiomyopathy. Last evaluated: 2022-11-06. Review status: criteria provided, single submitter. Criteria: ACMG Guidelines, 2015. Collection method: clinical testing. Allele origin: germline.
Comment: This missense variant replaces cysteine with tyrosine at codon 3130 of the RYR2 protein. Computational prediction is inconclusive regarding the impact of this variant on protein structure and function (internally defined REVEL score threshold 0.5 < inconclusive < 0.7, PMID: 27666373). To our knowledge, functional studies have not been reported for this variant. This variant has not been reported in individuals affected with RYR2-related disorders in the literature. This variant has not been identified in the general population by the Genome Aggregation Database (gnomAD). The available evidence is insufficient to determine the role of this variant in disease conclusively. Therefore, this variant is classified as a Variant of Uncertain Significance.